The following is an entry in ClinVar:

ClinVar aggregate classification (germline): Uncertain significance. Review status: criteria provided, multiple submitters, no conflicts (2 of 4 stars). 2 submissions from 2 submitters: Uncertain significance (2). Last evaluated 2024-07-02.

Conditions:
Inborn genetic diseases. Identifiers: MedGen C0950123, MeSH D030342.
Borjeson-Forssman-Lehmann syndrome (BFLS). Also called: MENTAL RETARDATION, X-LINKED, SYNDROMIC, BORJESON-FORSSMAN-LEHMANN TYPE; MENTAL RETARDATION, EPILEPSY, AND ENDOCRINE DISORDERS; BORJESON SYNDROME. Identifiers: Orphanet 127, MedGen C0265339, MONDO:0010537, OMIM 301900.

Allele frequency attached by ClinVar (database versions not stated): gnomAD exomes below 0.00001; ExAC 0.00001; TOPMed 0.00007.

Submissions (2):

Labcorp Genetics (formerly Invitae), Labcorp
Classification: Uncertain significance for Borjeson-Forssman-Lehmann syndrome. Last evaluated: 2024-07-02. Review status: criteria provided, single submitter. Criteria: Invitae Variant Classification Sherloc (09022015). Collection method: clinical testing. Allele origin: germline.
Comment: This sequence change replaces glutamic acid, which is acidic and polar, with glycine, which is neutral and non-polar, at codon 351 of the PHF6 protein (p.Glu351Gly). This variant is present in population databases (rs762116442, gnomAD 0.008%). This variant has not been reported in the literature in individuals affected with PHF6-related conditions. ClinVar contains an entry for this variant (Variation ID: 1777495). Algorithms developed to predict the effect of missense changes on protein structure and function output the following: SIFT: "Not Available"; PolyPhen-2: "Benign"; Align-GVGD: "Not Available". The glycine amino acid residue is found in multiple mammalian species, which suggests that this missense change does not adversely affect protein function. In summary, the available evidence is currently insufficient to determine the role of this variant in disease. Therefore, it has been classified as a Variant of Uncertain Significance.

Ambry Genetics
Classification: Uncertain significance for Inborn genetic diseases. Last evaluated: 2023-03-20. Review status: criteria provided, single submitter. Criteria: Ambry Variant Classification Scheme 2023. Collection method: clinical testing. Allele origin: germline.

NM_001015877.2(PHF6):c.1052A>G (p.Glu351Gly)

Gene: PHF6 (PHD finger protein 6; plus strand). Cytogenetic location: Xq26.2.
Variant type: single nucleotide variant.
Coding change: c.1052A>G on transcript NM_001015877.2 (MANE Select); coding-DNA position 1052, A replaced by G.
Protein change: p.Glu351Gly; replaces glutamic acid 351 with glycine.
Molecular consequence: missense variant.
Genome position (GRCh38, 1-based): chrX:134,425,284, A>G. VCF-style: chrX-134425284-A-G. GRCh37 (hg19) VCF-style: chrX-133559314-A-G.
Other names: c.1052A>G, p.Glu351Gly (NM_032458.3); short protein forms E351G.
Identifiers: ClinVar variation 1777495 (VCV001777495.8), dbSNP rs762116442, ClinGen allele CA10521306.